The following is an entry in ClinVar:

ClinVar aggregate classification (germline): Likely benign. Review status: criteria provided, multiple submitters, no conflicts (2 of 4 stars). 4 submissions from 4 submitters: Likely benign (3). 1 of the submissions does not count toward it. Last evaluated 2026-07-01.

Conditions:
SRCAP-related disorder. Also called: SRCAP-related condition.

Allele frequency attached by ClinVar (database versions not stated): gnomAD exomes 0.00006 and 0.00026; gnomAD 0.00011 and 0.00013; TOPMed 0.00013; ExAC 0.00018; 1000 Genomes Project 0.00040; 1000 Genomes Project 30x 0.00062.
gnomAD v4.1: 105 of 1,613,738 alleles (0.0065%); highest among the groups gnomAD compares: Admixed American, 0.15%; 1 homozygote.

Submissions (4):

CeGaT Center for Human Genetics Tuebingen
Classification: Likely benign. Last evaluated: 2026-07-01. Review status: criteria provided, single submitter. Criteria: CeGaT Center For Human Genetics Tuebingen Variant Classification Criteria Version 2. Collection method: clinical testing. Allele origin: germline. Affected: yes. Observed: 1 variant allele.
Comment: SRCAP: BP4

Labcorp Genetics (formerly Invitae), Labcorp
Classification: Likely benign. Last evaluated: 2026-01-04. Review status: criteria provided, single submitter. Criteria: Invitae Variant Classification Sherloc (09022015). Collection method: clinical testing. Allele origin: germline.

Women's Health and Genetics/Laboratory Corporation of America, LabCorp
Classification: Likely benign. Last evaluated: 2025-07-23. Review status: criteria provided, single submitter. Criteria: LabCorp Variant Classification Summary - May 2015. Collection method: clinical testing. Allele origin: germline.
Comment: Variant summary: SRCAP c.4621G>A (p.Val1541Met) results in a conservative amino acid change in the encoded protein sequence. Algorithms developed to predict the effect of missense changes on protein structure and function all suggest that this variant is likely to be tolerated. The variant allele was found at a frequency of 0.00026 in 250870 control chromosomes, predominantly at a frequency of 0.0019 within the Latino subpopulation in the gnomAD database, including 1 homozygote. The observed variant frequency within Latino control individuals in the gnomAD database exceeds the estimated maximal expected allele frequency for a pathogenic variant in SRCAP causing Floating-Harbor Syndrome phenotype, providing supporting evidence for a benign role. To our knowledge, no occurrence of c.4621G>A in individuals affected with Floating-Harbor Syndrome and no experimental evidence demonstrating its impact on protein function have been reported. ClinVar contains an entry for this variant (Variation ID: 788682). Based on the evidence outlined above, the variant was classified as likely benign.

PreventionGenetics, part of Exact Sciences
Classification: Likely benign for SRCAP-related condition. Last evaluated: 2023-02-21. Review status: no assertion criteria provided. Collection method: clinical testing. Allele origin: germline. Not counted in ClinVar's aggregate classification.
Comment: This variant is classified as likely benign based on ACMG/AMP sequence variant interpretation guidelines (Richards et al. 2015 PMID: 25741868, with internal and published modifications).

NM_006662.3(SRCAP):c.4621G>A (p.Val1541Met)

Gene: SRCAP (Snf2 related CREBBP activator protein; plus strand). Cytogenetic location: 16p11.2.
Variant type: single nucleotide variant.
Coding change: c.4621G>A on transcript NM_006662.3 (MANE Select); coding-DNA position 4621, G replaced by A.
Protein change: p.Val1541Met; replaces valine 1541 with methionine.
Molecular consequence: missense variant.
Genome position (GRCh38, 1-based): chr16:30,724,045, G>A. VCF-style: chr16-30724045-G-A. GRCh37 (hg19) VCF-style: chr16-30735366-G-A.
Other names: short protein forms V1541M.
Identifiers: ClinVar variation 788682 (VCV000788682.14), dbSNP rs201407582, ClinGen allele CA8011789.